The following is an entry in ClinVar:

NM_001029896.2(WDR45):c.342-3C>G

Gene: WDR45 (WD repeat domain 45; minus strand). Cytogenetic location: Xp11.23.
Variant type: single nucleotide variant.
Coding change: c.342-3C>G on transcript NM_001029896.2 (MANE Select); 3 bases into the intron before coding-DNA position 342, C replaced by G.
Molecular consequence: intron variant.
Genome position (GRCh38, 1-based): chrX:49,076,527, G>C on the plus strand (C>G on the coding strand, the complement: WDR45 is on the minus strand). VCF-style: chrX-49076527-G-C. GRCh37 (hg19) VCF-style: chrX-48934186-G-C.
Other names: c.345-3C>G (NM_007075.4).
Identifiers: ClinVar variation 1336591 (VCV001336591.7), dbSNP rs2147816332, ClinGen allele CA2573055349.
Genomic context (GRCh38, chrX:49,076,527, plus strand): 5'-TCGGGGATTGTCGGGGAAGGAGTACACATAGATGCGGTTCTTCAGCACGATCACGATCCT[G>C]TGGGTATCACACAACACAGGATGGCCGTGAGGGGGTGGCGGGATGCCCAGGGAGGACTAT-3'

ClinVar aggregate classification (germline): Pathogenic/Likely pathogenic. Review status: criteria provided, multiple submitters, no conflicts (2 of 4 stars). 2 submissions from 2 submitters: Pathogenic (1); Likely pathogenic (1). Last evaluated 2023-03-22.

Conditions:
Neurodegeneration with brain iron accumulation 5 (NBIA5). Also called: Beta-propeller protein-associated neurodegeneration; STATIC ENCEPHALOPATHY OF CHILDHOOD WITH NEURODEGENERATION IN ADULTHOOD. Identifiers: Orphanet 329284, MedGen C3550973, MONDO:0010476, OMIM 300894.

Submissions (2):

Labcorp Genetics (formerly Invitae), Labcorp
Classification: Pathogenic for Neurodegeneration with brain iron accumulation 5. Last evaluated: 2023-03-22. Review status: criteria provided, single submitter. Criteria: Invitae Variant Classification Sherloc (09022015). Collection method: clinical testing. Allele origin: germline.
Comment: For these reasons, this variant has been classified as Pathogenic. Variants that disrupt the consensus splice site are a relatively common cause of aberrant splicing (PMID: 17576681, 9536098). Algorithms developed to predict the effect of sequence changes on RNA splicing suggest that this variant may disrupt the consensus splice site. ClinVar contains an entry for this variant (Variation ID: 1336591). This variant has been observed in individual(s) with clinical features of WDR45-related conditions (Invitae). In at least one individual the variant was observed to be de novo. This variant is not present in population databases (gnomAD no frequency). This sequence change falls in intron 6 of the WDR45 gene. It does not directly change the encoded amino acid sequence of the WDR45 protein. It affects a nucleotide within the consensus splice site.

Genetic Services Laboratory, University of Chicago
Classification: Likely pathogenic. Last evaluated: 2018-04-10. Review status: criteria provided, single submitter. Criteria: ACMG Guidelines, 2015. Collection method: clinical testing. Allele origin: germline. Affected: yes.

Literature cited by the submitters: PubMed 17576681 (cited by Labcorp Genetics (formerly Invitae), Labcorp); PubMed 9536098 (cited by Labcorp Genetics (formerly Invitae), Labcorp).